The following is an entry in ClinVar:

NM_001042702.5(PJVK):c.370G>A (p.Val124Met)

Gene: PJVK (pejvakin; plus strand). Cytogenetic location: 2q31.2.
Variant type: single nucleotide variant.
Coding change: c.370G>A on transcript NM_001042702.5 (MANE Select); coding-DNA position 370, G replaced by A.
Protein change: p.Val124Met; replaces valine 124 with methionine.
Molecular consequence: missense variant. On other transcripts: 5 prime UTR variant (2).
Genome position (GRCh38, 1-based): chr2:178,454,490, G>A. VCF-style: chr2-178454490-G-A. GRCh37 (hg19) VCF-style: chr2-179319217-G-A.
Other names: p.Val124Met; c.379G>A, p.Val127Met (NM_001353775.2); c.475G>A, p.Val159Met (NM_001353776.2); c.-108G>A (NM_001353777.1, NM_001353778.2); c.370G>A, p.Val124Met (NM_001369912.1); short protein forms V124M, V127M, V159M.
Identifiers: ClinVar variation 2628078 (VCV002628078.2), dbSNP rs2468708924, ClinGen allele CA349398050.

ClinVar aggregate classification (germline): Uncertain significance (1 of 4 stars; one submission).

Conditions:
Autosomal recessive nonsyndromic hearing loss 59. Identifiers: Orphanet 90636, MedGen C1857744, MONDO:0012445, OMIM 610220.

Allele frequency attached by ClinVar (database versions not stated): gnomAD exomes below 0.00001.

Submission:

Foundation for Research in Genetics and Endocrinology, FRIGE's Institute of Human Genetics
Classification: Uncertain significance for Autosomal recessive nonsyndromic hearing loss 59. Last evaluated: 2023-10-04. Review status: criteria provided, single submitter. Criteria: ACMG Guidelines, 2015. Collection method: clinical testing. Allele origin: germline. Inheritance: Autosomal recessive inheritance. Affected: yes. Observed: 1 homozygote.
Comment: A homozygous missense variant in exon 3 of the PJVK gene that results in the amino acid substitution of Methionine for Valine at codon 124 (p.Val124Met) was detected. The p.Val124Met variant has not been reported in the 1000 genomes, gnomAD (v3.1), gnomdAD (v2) and topmed databases. The in silico predictions of the variant are possibly damaging by PolyPhen-2 (HumDiv) and damaging by SIFT. The reference codon is conserved across species. In summary, the variant meets our criteria to be classified as variant of uncertain significance.